The following is an entry in ClinVar:

NM_000255.4(MMUT):c.935G>T (p.Gly312Val)

Gene: MMUT (methylmalonyl-CoA mutase; minus strand). Cytogenetic location: 6p12.3.
Variant type: single nucleotide variant.
Coding change: c.935G>T on transcript NM_000255.4 (MANE Select); coding-DNA position 935, G replaced by T.
Protein change: p.Gly312Val; replaces glycine 312 with valine.
Molecular consequence: missense variant.
Genome position (GRCh38, 1-based): chr6:49,453,733, C>A on the plus strand (G>T on the coding strand, the complement: MMUT is on the minus strand). VCF-style: chr6-49453733-C-A. GRCh37 (hg19) VCF-style: chr6-49421446-C-A.
Other names: short protein forms G312V.
Identifiers: ClinVar variation 218988 (VCV000218988.10), dbSNP rs864309734, ClinGen allele CA347874.

ClinVar aggregate classification (germline): Pathogenic. Review status: criteria provided, single submitter (1 of 4 stars). 3 submissions from 3 submitters: Pathogenic (1). 2 of the submissions do not count toward it. Last evaluated 2024-07-22.

Conditions:
Methylmalonic aciduria due to complete methylmalonyl-CoA mutase deficiency.
Methylmalonic aciduria due to methylmalonyl-CoA mutase deficiency (MAMM). Also called: Methylmalonic aciduria, mut type. Identifiers: Orphanet 27, MedGen C1855114, MONDO:0009612, OMIM 251000.

Allele frequency attached by ClinVar (database versions not stated): TOPMed below 0.00001; gnomAD exomes 0.00003.
gnomAD v4.1: 45 of 1,612,854 alleles (0.0028%); highest among the groups gnomAD compares: Non-Finnish European, 0.0037%; no homozygotes.

Submissions (3):

Labcorp Genetics (formerly Invitae), Labcorp
Classification: Pathogenic. Last evaluated: 2024-07-22. Review status: criteria provided, single submitter. Criteria: Invitae Variant Classification Sherloc (09022015). Collection method: clinical testing. Allele origin: germline.
Comment: This sequence change replaces glycine, which is neutral and non-polar, with valine, which is neutral and non-polar, at codon 312 of the MUT protein (p.Gly312Val). This variant is not present in population databases (gnomAD no frequency). This missense change has been observed in individual(s) with methylmalonic aciduria (PMID: 16281286, 26790480). ClinVar contains an entry for this variant (Variation ID: 218988). Advanced modeling of protein sequence and biophysical properties (such as structural, functional, and spatial information, amino acid conservation, physicochemical variation, residue mobility, and thermodynamic stability) performed at Invitae indicates that this missense variant is expected to disrupt MUT protein function with a positive predictive value of 95%. For these reasons, this variant has been classified as Pathogenic.

Natera, Inc.
Classification: Likely pathogenic for Methylmalonic aciduria due to complete methylmalonyl-CoA mutase deficiency. Last evaluated: 2021-05-10. Review status: no assertion criteria provided. Collection method: clinical testing. Allele origin: germline. Not counted in ClinVar's aggregate classification.

GeneReviews
No classification provided. Condition: Methylmalonic aciduria due to methylmalonyl-CoA mutase deficiency. Review status: no classification provided. Collection method: literature only. Allele origin: germline. Affected: yes. Not counted in ClinVar's aggregate classification.
Comment: mut0 enzymatic subtype

Literature cited by the submitters: PubMed 16281286 (cited by Labcorp Genetics (formerly Invitae), Labcorp); PubMed 26790480 (cited by Labcorp Genetics (formerly Invitae), Labcorp); NCBI Bookshelf NBK1231 (cited by GeneReviews).